The following is an entry in ClinVar:

ClinVar aggregate classification (germline): Benign/Likely benign. Review status: criteria provided, multiple submitters, no conflicts (2 of 4 stars). 5 submissions from 5 submitters: Benign (1); Likely benign (3). 1 of the submissions does not count toward it. Last evaluated 2025-06-12.

Conditions:
FGFR2-related craniosynostosis. Identifiers: MedGen CN231480.

Allele frequency attached by ClinVar (database versions not stated): gnomAD 0.00008 and 0.00009; 1000 Genomes Project 30x 0.00031; 1000 Genomes Project 0.00040; TOPMed 0.00006.

Submissions (5):

Labcorp Genetics (formerly Invitae), Labcorp
Classification: Benign for FGFR2-related craniosynostosis. Last evaluated: 2025-06-12. Review status: criteria provided, single submitter. Criteria: Invitae Variant Classification Sherloc (09022015). Collection method: clinical testing. Allele origin: germline.

CeGaT Center for Human Genetics Tuebingen
Classification: Likely benign. Last evaluated: 2024-12-01. Review status: criteria provided, single submitter. Criteria: CeGaT Center For Human Genetics Tuebingen Variant Classification Criteria Version 2. Collection method: clinical testing. Allele origin: germline. Affected: yes. Observed: 1 variant allele.
Comment: FGFR2: BP4, BP7

Blueprint Genetics
Classification: Likely benign. Last evaluated: 2024-10-18. Review status: criteria provided, single submitter. Criteria: ACMG Guidelines, 2015. Collection method: clinical testing. Allele origin: germline.

GeneDx
Classification: Likely benign. Last evaluated: 2021-06-17. Review status: criteria provided, single submitter. Criteria: GeneDx Variant Classification Process June 2021. Collection method: clinical testing. Allele origin: germline. Affected: yes.

ITMI
No classification provided. Condition: AllHighlyPenetrant. Last evaluated: 2013-09-19. Review status: no classification provided. Collection method: reference population. Allele origin: germline. Not counted in ClinVar's aggregate classification.
Comment: Please see associated publication for description of ethnicities

Literature cited by the submitters: PubMed 24728327 (cited by ITMI).

NM_000141.5(FGFR2):c.942C>T (p.Ala314=)

Gene: FGFR2 (fibroblast growth factor receptor 2; minus strand). Cytogenetic location: 10q26.13.
Variant type: single nucleotide variant.
Coding change: c.942C>T on transcript NM_000141.5 (MANE Select); coding-DNA position 942, C replaced by T.
Protein change: p.Ala314=; no amino-acid change (alanine 314 retained).
Molecular consequence: synonymous variant. On other transcripts: non-coding transcript variant (1), intron variant (5).
Genome position (GRCh38, 1-based): chr10:121,517,461, G>A on the plus strand (C>T on the coding strand, the complement: FGFR2 is on the minus strand). VCF-style: chr10-121517461-G-A. GRCh37 (hg19) VCF-style: chr10-123276975-G-A.
Other names: c.675C>T, p.Ala225= (NM_001144915.2, NM_023029.3); c.597C>T, p.Ala199= (NM_001144916.2, NM_001144918.2); c.258C>T, p.Ala86= (NM_001320654.2); c.942C>T, p.Ala314= (NM_001320658.2); c.749-2142C>T (NM_001144914.1); c.939+2518C>T (NM_001144917.2); c.1087+1221C>T (NM_022970.4, NM_001144913.1); c.820+1221C>T (NM_001144919.2).
Identifiers: ClinVar variation 134393 (VCV000134393.22), dbSNP rs201717227, ClinGen allele CA159677.